The following is an entry in ClinVar:

ClinVar aggregate classification (germline): Pathogenic (1 of 4 stars; one submission).

Conditions:
Junctional epidermolysis bullosa. Identifiers: Orphanet 305, MedGen C0079301, MONDO:0017612.

Submission:

Myriad Genetics, Inc.
Classification: Pathogenic for Junctional epidermolysis bullosa. Last evaluated: 2024-10-01. Review status: criteria provided, single submitter. Criteria: Myriad Autosomal Dominant, Autosomal Recessive and X-Linked Classification Criteria (2023). Collection method: clinical testing. Allele origin: unknown.
Comment: NM_000228.2(LAMB3):c.2326delT(S776Rfs*5) is expected to be pathogenic in the context of junctional epidermolysis bullosa, LAMB3-related. This variant is predicted to lead to an abnormal or absent protein product due to the creation of a premature termination codon in LAMB3, a gene where loss-of-function variants are known to be pathogenic. Please note: this variant was assessed in the context of healthy population screening.

NM_000228.3(LAMB3):c.2326del (p.Ser776fs)

Gene: LAMB3 (laminin subunit beta 3; minus strand). Cytogenetic location: 1q32.2.
Variant type: Deletion.
Coding change: c.2326del on transcript NM_000228.3 (MANE Select); coding-DNA position 2326, one base deleted (T; older notation c.2326delT).
Protein change: p.Ser776fs; shifts the reading frame from serine 776.
Molecular consequence: frameshift variant.
Genome position (GRCh38, 1-based): chr1:209,623,537, A deleted on the plus strand (T on the coding strand, the reverse complement: LAMB3 is on the minus strand); the first of 2 consecutive A bases (chr1:209,623,537-209,623,538); deleting either gives the same sequence. VCF-style (leftmost placement, unchanged base first): chr1-209623536-GA-G. GRCh37 (hg19) VCF-style: chr1-209796881-GA-G.
Other names: c.2326del, p.Ser776fs (NM_001017402.2, NM_001127641.1); short protein forms S776fs.
Identifiers: ClinVar variation 5013600 (VCV005013600.1).